The following is an entry in ClinVar:

ClinVar aggregate classification (germline): Likely pathogenic (1 of 4 stars; one submission).

Submission:

GeneDx
Classification: Likely pathogenic. Last evaluated: 2025-08-31. Review status: criteria provided, single submitter. Criteria: GeneDx Variant Classification Process June 2021. Collection method: clinical testing. Allele origin: germline.
Comment: Not observed at significant frequency in large population cohorts (gnomAD); In silico analysis supports that this missense variant has a deleterious effect on protein structure/function; Has not been previously published as pathogenic or benign to our knowledge

NM_024757.5(EHMT1):c.2719A>G (p.Asn907Asp)

Gene: EHMT1 (euchromatic histone lysine methyltransferase 1; plus strand). Cytogenetic location: 9q34.3.
Variant type: single nucleotide variant.
Coding change: c.2719A>G on transcript NM_024757.5 (MANE Select); coding-DNA position 2719, A replaced by G.
Protein change: p.Asn907Asp; replaces asparagine 907 with aspartic acid.
Molecular consequence: missense variant.
Genome position (GRCh38, 1-based): chr9:137,811,467, A>G. VCF-style: chr9-137811467-A-G. GRCh37 (hg19) VCF-style: chr9-140705919-A-G.
Other names: c.2698A>G, p.Asn900Asp (NM_001354263.2); short protein forms N900D, N907D.
Identifiers: ClinVar variation 1706396 (VCV001706396.3), dbSNP rs2538619947, ClinGen allele CA375791126.